The following is an entry in ClinVar:

NM_007118.4(TRIO):c.3749C>T (p.Ser1250Leu)

Gene: TRIO (trio Rho guanine nucleotide exchange factor; plus strand). Cytogenetic location: 5p15.2.
Variant type: single nucleotide variant.
Coding change: c.3749C>T on transcript NM_007118.4 (MANE Select); coding-DNA position 3749, C replaced by T.
Protein change: p.Ser1250Leu; replaces serine 1250 with leucine.
Molecular consequence: missense variant. On other transcripts: non-coding transcript variant (1).
Genome position (GRCh38, 1-based): chr5:14,387,616, C>T. VCF-style: chr5-14387616-C-T. GRCh37 (hg19) VCF-style: chr5-14387725-C-T.
Other names: short protein forms S1250L.
Identifiers: ClinVar variation 1712198 (VCV001712198.2), dbSNP rs377220745, ClinGen allele CA3206257.

ClinVar aggregate classification (germline): Uncertain significance (1 of 4 stars; one submission).

Allele frequency attached by ClinVar (database versions not stated): gnomAD exomes below 0.00001; ExAC 0.00002; gnomAD 0.00002; TOPMed 0.00006; ESP Exome Variant Server 0.00008.
gnomAD v4.1: 9 of 1,611,290 alleles (0.00056%); highest among the groups gnomAD compares: African/African-American, 0.012%; no homozygotes.

Submission:

GeneDx
Classification: Uncertain significance. Last evaluated: 2022-04-18. Review status: criteria provided, single submitter. Criteria: GeneDx Variant Classification Process June 2021. Collection method: clinical testing. Allele origin: germline. Affected: yes.
Comment: In silico analysis supports that this missense variant has a deleterious effect on protein structure/function; Has not been previously published as pathogenic or benign to our knowledge